The following is an entry in ClinVar:

ClinVar aggregate classification (germline): Pathogenic (1 of 4 stars; one submission).

Submission:

GeneDx
Classification: Pathogenic. Last evaluated: 2023-07-10. Review status: criteria provided, single submitter. Criteria: GeneDx Variant Classification Process June 2021. Collection method: clinical testing. Allele origin: germline. Affected: yes.
Comment: Frameshift variant predicted to result in protein truncation or nonsense mediated decay in a gene for which loss of function is a known mechanism of disease; Not observed at significant frequency in large population cohorts (gnomAD); This variant is associated with the following publications: (PMID: 19810120)

NM_000127.3(EXT1):c.1298_1299del (p.Arg433fs)

Gene: EXT1 (exostosin glycosyltransferase 1; minus strand). Cytogenetic location: 8q24.11.
Variant type: Deletion.
Coding change: c.1298_1299del on transcript NM_000127.3 (MANE Select); coding-DNA positions 1298 to 1299, 2 bases deleted (GA; older notation c.1298_1299delGA).
Protein change: p.Arg433fs; shifts the reading frame from arginine 433.
Molecular consequence: frameshift variant.
Genome position (GRCh38, 1-based): chr8:117,822,583-117,822,584, TC deleted on the plus strand (GA on the coding strand, the reverse complement: EXT1 is on the minus strand); deleting any 2 consecutive bases within chr8:117,822,583-117,822,585 gives the same sequence; the c. name uses the placement nearest the transcript's 3' end. VCF-style (leftmost placement, unchanged base first): chr8-117822582-TTC-T. GRCh37 (hg19) VCF-style: chr8-118834821-TTC-T.
Other names: c.1297_1298delAG, p.Arg433Asnfs (NM_000127.2); short protein forms R433fs.
Identifiers: ClinVar variation 3340270 (VCV003340270.1).